The following is an entry in ClinVar:

NM_001430.5(EPAS1):c.2271C>G (p.Ser757Arg)

Gene: EPAS1 (endothelial PAS domain protein 1; plus strand). Cytogenetic location: 2p21.
Variant type: single nucleotide variant.
Coding change: c.2271C>G on transcript NM_001430.5 (MANE Select); coding-DNA position 2271, C replaced by G.
Protein change: p.Ser757Arg; replaces serine 757 with arginine.
Molecular consequence: missense variant.
Genome position (GRCh38, 1-based): chr2:46,382,073, C>G. VCF-style: chr2-46382073-C-G. GRCh37 (hg19) VCF-style: chr2-46609212-C-G.
Other names: short protein forms S757R.
Identifiers: ClinVar variation 3275718 (VCV003275718.1).
Genomic context (GRCh38, chr2:46,382,073, plus strand): 5'-GAAACGGATGAAGAACCTCAGGGGTGGGAGCTGCCCTTTGATGCCGGACAAGCCACTGAG[C>G]GCAAATGTACCCAATGGTGAGCAGCGGCCACAGGCCTGGGCCTCCTGGGGGTTCTGGTGG-3'
Protein context (NP_001421.2, residues 747-767): SCPLMPDKPL[Ser757Arg]ANVPNDKFTQ

ClinVar aggregate classification (germline): Uncertain significance (1 of 4 stars; one submission).

Conditions:
Inborn genetic diseases. Identifiers: MedGen C0950123, MeSH D030342.

gnomAD v4.1: 3 of 1,613,938 alleles (0.00019%); highest among the groups gnomAD compares: Non-Finnish European, 0.00025%; no homozygotes.

Submission:

Ambry Genetics
Classification: Uncertain significance for Inborn genetic diseases. Last evaluated: 2024-05-13. Review status: criteria provided, single submitter. Criteria: Ambry Variant Classification Scheme 2023. Collection method: clinical testing. Allele origin: germline.
Comment: The p.S757R variant (also known as c.2271C>G), located in coding exon 14 of the EPAS1 gene, results from a C to G substitution at nucleotide position 2271. The serine at codon 757 is replaced by arginine, an amino acid with dissimilar properties. This amino acid position is conserved. In addition, this alteration is predicted to be tolerated by in silico analysis. Based on the available evidence, the clinical significance of this variant remains unclear.